The following is an entry in ClinVar:

ClinVar aggregate classification (germline): Benign/Likely benign. Review status: criteria provided, multiple submitters, no conflicts (2 of 4 stars). 4 submissions from 4 submitters: Benign (1); Likely benign (3). Last evaluated 2026-04-15.

Conditions:
Hereditary cancer-predisposing syndrome. Also called: Tumor predisposition; Hereditary neoplastic syndrome; Neoplastic Syndromes, Hereditary; Hereditary Cancer Syndrome. Identifiers: Orphanet 140162, MedGen C0027672, MeSH D009386, MONDO:0015356.
DICER1-related disorder. Also called: DICER1-related condition.
DICER1-related tumor predisposition. Also called: DICER1-related pleuropulmonary blastoma cancer predisposition syndrome; DICER1 syndrome. Identifiers: Orphanet 284343, MedGen C3839822, MONDO:0100216.

Allele frequency attached by ClinVar (database versions not stated): gnomAD 0.00001; TOPMed 0.00001.
gnomAD v4.1: 1 of 1,613,386 alleles (0.000062%); highest among the groups gnomAD compares: African/African-American, 0.0013%; no homozygotes.

Submissions (4):

Myriad Genetics, Inc.
Classification: Benign for DICER1-related tumor predisposition. Last evaluated: 2026-04-15. Review status: criteria provided, single submitter. Criteria: Myriad Autosomal Dominant, Autosomal Recessive and X-Linked Classification Criteria (2023). Collection method: clinical testing. Allele origin: unknown.
Comment: This variant is considered benign. This variant is a silent/synonymous amino acid change and it is not expected to impact splicing.

Labcorp Genetics (formerly Invitae), Labcorp
Classification: Likely benign for DICER1-related tumor predisposition. Last evaluated: 2025-06-11. Review status: criteria provided, single submitter. Criteria: Invitae Variant Classification Sherloc (09022015). Collection method: clinical testing. Allele origin: germline.

PreventionGenetics, part of Exact Sciences
Classification: Likely benign for DICER1-related condition. Last evaluated: 2025-01-09. Review status: criteria provided, single submitter. Criteria: ACMG Guidelines, 2015. Collection method: clinical testing. Allele origin: germline.
Comment: This variant is classified as likely benign based on ACMG/AMP sequence variant interpretation guidelines (Richards et al. 2015 PMID: 25741868, with internal and published modifications).

Ambry Genetics
Classification: Likely benign for Hereditary cancer-predisposing syndrome. Last evaluated: 2021-05-11. Review status: criteria provided, single submitter. Criteria: Ambry Variant Classification Scheme 2023. Collection method: clinical testing. Allele origin: germline.

NM_177438.3(DICER1):c.369A>G (p.Glu123=)

Gene: DICER1 (dicer 1, ribonuclease III; minus strand). Cytogenetic location: 14q32.13.
Variant type: single nucleotide variant.
Coding change: c.369A>G on transcript NM_177438.3 (MANE Select); coding-DNA position 369, A replaced by G.
Protein change: p.Glu123=; no amino-acid change (glutamic acid 123 retained).
Molecular consequence: synonymous variant.
Genome position (GRCh38, 1-based): chr14:95,131,578, T>C on the plus strand (A>G on the coding strand, the complement: DICER1 is on the minus strand). VCF-style: chr14-95131578-T-C. GRCh37 (hg19) VCF-style: chr14-95597915-T-C.
Other names: c.369A>G, p.Glu123= (NM_001195573.1, NM_001271282.3, NM_001291628.2 and 1 more transcripts).
Identifiers: ClinVar variation 1083874 (VCV001083874.14), dbSNP rs983499862, ClinGen allele CA265926951.